The following is an entry in ClinVar:

NM_001042492.3(NF1):c.204+9T>C

Gene: NF1 (neurofibromin 1; plus strand). Cytogenetic location: 17q11.2.
Variant type: single nucleotide variant.
Coding change: c.204+9T>C on transcript NM_001042492.3 (MANE Select); 9 bases into the intron after coding-DNA position 204, T replaced by C.
Molecular consequence: intron variant.
Genome position (GRCh38, 1-based): chr17:31,156,135, T>C. VCF-style: chr17-31156135-T-C. GRCh37 (hg19) VCF-style: chr17-29483153-T-C.
Other names: c.204+9T>C (NM_000267.4, NM_001128147.3).
Identifiers: ClinVar variation 527609 (VCV000527609.11), dbSNP rs771989896, ClinGen allele CA8485490.

ClinVar aggregate classification (germline): Likely benign. Review status: criteria provided, multiple submitters, no conflicts (2 of 4 stars). 3 submissions from 3 submitters: Likely benign (3). Last evaluated 2026-05-11.

Conditions:
Neurofibromatosis, type 1 (NF1). Also called: Neurofibromatosis, type I; NEUROFIBROMATOSIS, TYPE I, SOMATIC; Peripheral type neurofibromatosis; VON RECKLINGHAUSEN DISEASE. Identifiers: Orphanet 636, MedGen C0027831, MONDO:0018975, OMIM 162200. Disease mechanism: loss of function.

Allele frequency attached by ClinVar (database versions not stated): gnomAD exomes below 0.00001; ExAC 0.00001.
gnomAD v4.1: 1 of 1,613,566 alleles (0.000062%); highest among the groups gnomAD compares: Non-Finnish European, 0.000085%; no homozygotes.

Submissions (3):

Myriad Genetics, Inc.
Classification: Likely benign for Neurofibromatosis, type 1. Last evaluated: 2026-05-11. Review status: criteria provided, single submitter. Criteria: Myriad Autosomal Dominant, Autosomal Recessive and X-Linked Classification Criteria (2023). Collection method: clinical testing. Allele origin: unknown.
Comment: This variant is considered likely benign. This variant is intronic and is not expected to impact mRNA splicing.

Women's Health and Genetics/Laboratory Corporation of America, LabCorp
Classification: Likely benign. Last evaluated: 2025-06-19. Review status: criteria provided, single submitter. Criteria: LabCorp Variant Classification Summary - May 2015. Collection method: clinical testing. Allele origin: germline.
Comment: Variant summary: NF1 c.204+9T>C alters a non-conserved nucleotide located at a position not widely known to affect splicing. Consensus agreement among computation tools predict no significant impact on normal splicing. However, these predictions have yet to be confirmed by functional studies. The variant allele was found at a frequency of 4e-06 in 251186 control chromosomes. The available data on variant occurrences in the general population are insufficient to allow any conclusion about variant significance. To our knowledge, no occurrence of c.204+9T>C in individuals affected with Neurofibromatosis Type 1 and no experimental evidence demonstrating its impact on protein function have been reported. ClinVar contains an entry for this variant (Variation ID: 527609). Based on the evidence outlined above, the variant was classified as likely benign.

Labcorp Genetics (formerly Invitae), Labcorp
Classification: Likely benign for Neurofibromatosis, type 1. Last evaluated: 2025-03-09. Review status: criteria provided, single submitter. Criteria: Invitae Variant Classification Sherloc (09022015). Collection method: clinical testing. Allele origin: germline.

Literature cited by the submitters: PubMed 10678181 (cited by Women's Health and Genetics/Laboratory Corporation of America, LabCorp); PubMed 23460398 (cited by Women's Health and Genetics/Laboratory Corporation of America, LabCorp); PubMed 29872168 (cited by Women's Health and Genetics/Laboratory Corporation of America, LabCorp); PubMed 27069254 (cited by Women's Health and Genetics/Laboratory Corporation of America, LabCorp).